The following is an entry in ClinVar:

ClinVar aggregate classification (germline): Benign/Likely benign. Review status: criteria provided, multiple submitters, no conflicts (2 of 4 stars). 8 submissions from 8 submitters: Benign (1); Likely benign (7). Last evaluated 2025-07-31.

Conditions:
Hereditary nonpolyposis colorectal neoplasms. Identifiers: MedGen C0009405, MeSH D003123.
Hereditary cancer-predisposing syndrome. Also called: Tumor predisposition; Hereditary neoplastic syndrome; Neoplastic Syndromes, Hereditary; Hereditary Cancer Syndrome. Identifiers: Orphanet 140162, MedGen C0027672, MeSH D009386, MONDO:0015356.
Lynch syndrome. Identifiers: Orphanet 144, MedGen C4552100, MONDO:0005835. Disease mechanism: loss of function.
Lynch syndrome 4 (LYNCH4). Also called: Colorectal cancer, hereditary nonpolyposis, type 4; Hereditary non-polyposis colorectal cancer, type 4. Identifiers: Orphanet 144, MedGen C1838333, MONDO:0013699, OMIM 614337. Disease mechanism: loss of function.

Allele frequency attached by ClinVar (database versions not stated): gnomAD exomes below 0.00001 and 0.00001; TOPMed below 0.00001; ExAC 0.00001; gnomAD 0.00001.
gnomAD v4.1: 21 of 1,586,500 alleles (0.0013%); highest among the groups gnomAD compares: Non-Finnish European, 0.0018%; no homozygotes.

Submissions (8):

Labcorp Genetics (formerly Invitae), Labcorp
Classification: Likely benign for Hereditary nonpolyposis colorectal neoplasms. Last evaluated: 2025-07-31. Review status: criteria provided, single submitter. Criteria: Invitae Variant Classification Sherloc (09022015). Collection method: clinical testing. Allele origin: germline.

Center for Genomic Medicine, Rigshospitalet, Copenhagen University Hospital
Classification: Likely benign. Last evaluated: 2025-03-04. Review status: criteria provided, single submitter. Criteria: ACMG Guidelines, 2015. Collection method: clinical testing. Allele origin: germline.

Myriad Genetics, Inc.
Classification: Benign for Lynch syndrome 4. Last evaluated: 2025-01-28. Review status: criteria provided, single submitter. Criteria: Myriad Autosomal Dominant, Autosomal Recessive and X-Linked Classification Criteria (2023). Collection method: clinical testing. Allele origin: unknown.
Comment: This variant is considered benign. This variant is a silent/synonymous amino acid change and it is not expected to impact splicing.

ARUP Laboratories, Molecular Genetics and Genomics, ARUP Laboratories
Classification: Likely benign. Last evaluated: 2024-08-02. Review status: criteria provided, single submitter. Criteria: ARUP Molecular Germline Variant Investigation Process 2024. Collection method: clinical testing. Allele origin: germline.

All of Us Research Program, National Institutes of Health
Classification: Likely benign for Lynch syndrome. Last evaluated: 2023-10-27. Review status: criteria provided, single submitter. Criteria: ACMG Guidelines, 2015. Collection method: clinical testing. Allele origin: germline. Inheritance: Autosomal dominant inheritance. Observed: 1 variant allele, 1 heterozygote.
Comment: This study involves interpretation of variants in research participants for the purpose of population health screening. Participant phenotype was not available at the time of variant classification. Additional details can be found in publication PMID: 35346344, PMCID: PMC8962531

GeneDx
Classification: Likely benign. Last evaluated: 2021-04-26. Review status: criteria provided, single submitter. Criteria: GeneDx Variant Classification Process June 2021. Collection method: clinical testing. Allele origin: germline. Affected: yes.

Color Diagnostics, LLC DBA Color Health
Classification: Likely benign for Hereditary cancer-predisposing syndrome. Last evaluated: 2017-03-20. Review status: criteria provided, single submitter. Criteria: ACMG Guidelines, 2015. Collection method: clinical testing. Allele origin: germline.

Ambry Genetics
Classification: Likely benign for Hereditary cancer-predisposing syndrome. Last evaluated: 2017-01-19. Review status: criteria provided, single submitter. Criteria: Ambry Variant Classification Scheme 2023. Collection method: clinical testing. Allele origin: germline.

NM_000535.7(PMS2):c.720T>A (p.Ile240=)

Gene: PMS2 (PMS1 homolog 2, mismatch repair system component; minus strand). Cytogenetic location: 7p22.1.
Variant type: single nucleotide variant.
Coding change: c.720T>A on transcript NM_000535.7 (MANE Select); coding-DNA position 720, T replaced by A.
Protein change: p.Ile240=; no amino-acid change (isoleucine 240 retained).
Molecular consequence: synonymous variant. On other transcripts: 5 prime UTR variant (2), non-coding transcript variant (1).
Genome position (GRCh38, 1-based): chr7:5,997,409, A>T on the plus strand (T>A on the coding strand, the complement: PMS2 is on the minus strand). VCF-style: chr7-5997409-A-T. GRCh37 (hg19) VCF-style: chr7-6037040-A-T.
Other names: c.315T>A, p.Ile105= (NM_001322003.2, NM_001322004.2, NM_001322005.2 and 2 more transcripts); c.720T>A, p.Ile240= (NM_001322006.2, NM_001322014.2); c.402T>A, p.Ile134= (NM_001322007.2, NM_001322008.2); c.-214T>A (NM_001322011.2, NM_001322012.2); c.147T>A, p.Ile49= (NM_001322013.2); c.411T>A, p.Ile137= (NM_001322015.2).
Identifiers: ClinVar variation 380243 (VCV000380243.23), dbSNP rs777148436, ClinGen allele CA051375.